The following is an entry in ClinVar:

NM_000361.3(THBD):c.186G>A (p.Val62=)

Gene: THBD (thrombomodulin; minus strand). Cytogenetic location: 20p11.21.
Variant type: single nucleotide variant.
Coding change: c.186G>A on transcript NM_000361.3 (MANE Select); coding-DNA position 186, G replaced by A.
Protein change: p.Val62=; no amino-acid change (valine 62 retained).
Molecular consequence: synonymous variant.
Genome position (GRCh38, 1-based): chr20:23,049,319, C>T on the plus strand (G>A on the coding strand, the complement: THBD is on the minus strand). VCF-style: chr20-23049319-C-T. GRCh37 (hg19) VCF-style: chr20-23029956-C-T.
Identifiers: ClinVar variation 1940647 (VCV001940647.8), dbSNP rs375030049, ClinGen allele CA9787774.
Genomic context (GRCh38, chr20:23,049,319, plus strand): 5'-GCCAACGCCGCCGTCGCCGTTCAGTAGCAAGGAAATGACATCGGCAGCCACCGAGGAGCG[C>T]ACTGTCATTAGGTGGCCCCGCAGTCCGTCGCAGATCTGACTGGCATTGAGGAAGGTCGCG-3'
Protein context (NP_000352.1, residues 52-72): CDGLRGHLMT[Val62=]RSSVAADVIS

ClinVar aggregate classification (germline): Likely benign. Review status: criteria provided, multiple submitters, no conflicts (2 of 4 stars). 3 submissions from 3 submitters: Likely benign (2). 1 of the submissions does not count toward it. Last evaluated 2024-06-28.

Conditions:
THBD-related disorder. Also called: THBD-related condition.

Allele frequency attached by ClinVar (database versions not stated): TOPMed below 0.00001; gnomAD 0.00001; ESP Exome Variant Server 0.00008.

Submissions (3):

Labcorp Genetics (formerly Invitae), Labcorp
Classification: Likely benign. Last evaluated: 2024-06-28. Review status: criteria provided, single submitter. Criteria: Invitae Variant Classification Sherloc (09022015). Collection method: clinical testing. Allele origin: germline.

Blueprint Genetics
Classification: Likely benign. Last evaluated: 2022-01-11. Review status: criteria provided, single submitter. Criteria: ACMG Guidelines, 2015. Collection method: clinical testing. Allele origin: germline.

PreventionGenetics, part of Exact Sciences
Classification: Likely benign for THBD-related condition. Last evaluated: 2019-06-18. Review status: no assertion criteria provided. Collection method: clinical testing. Allele origin: germline. Not counted in ClinVar's aggregate classification.
Comment: This variant is classified as likely benign based on ACMG/AMP sequence variant interpretation guidelines (Richards et al. 2015 PMID: 25741868, with internal and published modifications).